The following is an entry in ClinVar:

ClinVar aggregate classification (germline): Uncertain significance. Review status: criteria provided, multiple submitters, no conflicts (2 of 4 stars). 2 submissions from 2 submitters: Uncertain significance (2). Last evaluated 2026-05-16.

Conditions:
Inborn genetic diseases. Identifiers: MedGen C0950123, MeSH D030342.
Acute myeloid leukemia (AML). Also called: Acute myeloid leukemia, adult; AML adult; Acute non-lymphocytic leukemia; Acute granulocytic leukemia; Leukemia, acute myeloid, somatic; Leukemia, acute myelogenous, somatic. Identifiers: Orphanet 519, MedGen C0023467, MeSH D015470, MONDO:0018874, OMIM 601626, HP:0004808. Disease mechanism: Constitutively activated FLT3.

Submissions (2):

Ambry Genetics
Classification: Uncertain significance for Inborn genetic diseases. Last evaluated: 2026-05-16. Review status: criteria provided, single submitter. Criteria: Ambry Variant Classification Scheme 2023. Collection method: clinical testing. Allele origin: germline.
Comment: The p.P115L variant (also known as c.344C>T), located in coding exon 1 of the CEBPA gene, results from a C to T substitution at nucleotide position 344. The proline at codon 115 is replaced by leucine, an amino acid with similar properties. This amino acid position is conserved. In addition, this alteration is predicted to be tolerated by in silico analysis. Based on the available evidence, the clinical significance of this variant remains unclear.

Labcorp Genetics (formerly Invitae), Labcorp
Classification: Uncertain significance for Acute myeloid leukemia. Last evaluated: 2025-01-11. Review status: criteria provided, single submitter. Criteria: Invitae Variant Classification Sherloc (09022015). Collection method: clinical testing. Allele origin: germline.
Comment: This sequence change replaces proline, which is neutral and non-polar, with leucine, which is neutral and non-polar, at codon 115 of the CEBPA protein (p.Pro115Leu). The frequency data for this variant in the population databases is considered unreliable, as metrics indicate insufficient coverage at this position in the gnomAD database. This variant has not been reported in the literature in individuals affected with CEBPA-related conditions. ClinVar contains an entry for this variant (Variation ID: 2184952). An algorithm developed to predict the effect of missense changes on protein structure and function (PolyPhen-2) suggests that this variant is likely to be tolerated. In summary, the available evidence is currently insufficient to determine the role of this variant in disease. Therefore, it has been classified as a Variant of Uncertain Significance.

NM_004364.5(CEBPA):c.344C>T (p.Pro115Leu)

Gene: CEBPA (CCAAT enhancer binding protein alpha; minus strand). Cytogenetic location: 19q13.11.
Variant type: single nucleotide variant.
Coding change: c.344C>T on transcript NM_004364.5 (MANE Select); coding-DNA position 344, C replaced by T.
Protein change: p.Pro115Leu; replaces proline 115 with leucine.
Molecular consequence: missense variant. On other transcripts: 5 prime UTR variant (1).
Genome position (GRCh38, 1-based): chr19:33,302,071, G>A on the plus strand (C>T on the coding strand, the complement: CEBPA is on the minus strand). VCF-style: chr19-33302071-G-A. GRCh37 (hg19) VCF-style: chr19-33792977-G-A.
Other names: c.-14C>T (NM_001285829.2); c.449C>T, p.Pro150Leu (NM_001287424.2); c.302C>T, p.Pro101Leu (NM_001287435.2); short protein forms P115L, P150L, P101L.
Identifiers: ClinVar variation 2184952 (VCV002184952.5), dbSNP rs1352831259, ClinGen allele CA405275147.